The following is an entry in ClinVar:

ClinVar aggregate classification (somatic clinical impact): Tier II - Potential (1 of 4 stars; one submission).

Conditions:
Medulloblastoma SHH activated. Identifiers: MedGen C4330671, MONDO:0850197.

Submission:

Institute for Genomic Medicine (IGM) Clinical Laboratory, Nationwide Children's Hospital
Classification: Tier II - Potential for Medulloblastoma SHH activated. Assertion type: diagnostic. Clinical significance: supports diagnosis. Last evaluated: 2025-03-28. Review status: criteria provided, single submitter. Criteria: AMP/ASCO/CAP Guidelines, 2017. Collection method: clinical testing. Allele origin: somatic. Affected: yes.
Comment: Variant has Tier II (potential) clinical significance as a diagnostic inclusion criterion in medulloblastoma SHH activated, based on the following evidence: 1) Documented in one or more cancer databases (e.g., St. Jude Pecan, COSMIC, CIViC, OncoKB). 2) Diagnostic significance based on multiple small studies (Evidence Level C; PMIDs: 22722829, 28726821, 33741928).

Literature cited by the submitters: PubMed 22722829; PubMed 28726821; PubMed 33741928.

NM_017780.4(CHD7):c.6554dup (p.Lys2186fs)

Gene: CHD7 (chromodomain helicase DNA binding protein 7; plus strand). Cytogenetic location: 8q12.2.
Variant type: Duplication.
Coding change: c.6554dup on transcript NM_017780.4 (MANE Select); coding-DNA position 6554, one base duplicated (A; older notation c.6554dupA).
Protein change: p.Lys2186fs; shifts the reading frame from lysine 2186.
Molecular consequence: frameshift variant. On other transcripts: intron variant (1).
Genome position (GRCh38, 1-based): chr8:60,853,279, A duplicated. VCF-style (leftmost placement, unchanged base first): chr8-60853278-G-GA. GRCh37 (hg19) VCF-style: chr8-61765837-G-GA.
Other names: c.1717-8950dup (NM_001316690.1); short protein forms K2186fs.
Identifiers: ClinVar variation 4530105 (VCV004530105.1).
Genomic context (GRCh38, chr8:60,853,278, plus strand): 5'-GAGAGGGTACTGGAACAAGCCGAAGGCAAAGTGGAGGAGCCTGAAAACCCAGCTGCCAAG[G>GA]AGAAATGTGAGGGCAAAGAAGAGGAAGAAGAAACCGATGGCAGCGGGAAGGAGAGCAAGC-3'